The following is an entry in ClinVar:

NM_001384140.1(PCDH15):c.1882G>A (p.Ala628Thr)

Gene: PCDH15 (protocadherin related 15; minus strand). Cytogenetic location: 10q21.1.
Variant type: single nucleotide variant.
Coding change: c.1882G>A on transcript NM_001384140.1 (MANE Select); coding-DNA position 1882, G replaced by A.
Protein change: p.Ala628Thr; replaces alanine 628 with threonine.
Molecular consequence: missense variant. On other transcripts: intron variant (1).
Genome position (GRCh38, 1-based): chr10:54,132,910, C>T on the plus strand (G>A on the coding strand, the complement: PCDH15 is on the minus strand). VCF-style: chr10-54132910-C-T. GRCh37 (hg19) VCF-style: chr10-55892670-C-T.
Other names: c.1897G>A, p.Ala633Thr (NM_001142763.2, NM_001142771.2); c.1882G>A, p.Ala628Thr (NM_001142764.2, NM_001142766.2, NM_001142770.3 and 5 more transcripts); c.1771G>A, p.Ala591Thr (NM_001142767.2); c.1816G>A, p.Ala606Thr (NM_001142768.2, NM_001142773.2, NM_001354404.2); c.1918G>A, p.Ala640Thr (NM_001142769.4); c.1903G>A, p.Ala635Thr (NM_001354411.2); c.1784+20190G>A (NM_001142765.2); short protein forms A635T, A628T, A633T, A640T, A591T, A606T.
Identifiers: ClinVar variation 1039292 (VCV001039292.8), dbSNP rs1234835810, ClinGen allele CA376514896.
Genomic context (GRCh38, chr10:54,132,910, plus strand): 5'-CACACACACACACCAAGGAACATACCTGTAGATTTAATAAAACAGCACCAACCCTCATGG[C>T]TTCACTAATTTCAAGGCTATACATCAGCTGTGGGAAGCGAGGAGGGCTTTGATTATTTGG-3'
Protein context (NP_001371069.1, residues 618-638): QLMYSLEISE[Ala628Thr]MRVGAVLLNL

ClinVar aggregate classification (germline): Uncertain significance (1 of 4 stars; one submission).

Allele frequency attached by ClinVar (database versions not stated): gnomAD exomes below 0.00001; TOPMed below 0.00001; gnomAD 0.00001.
gnomAD v4.1: 2 of 1,613,794 alleles (0.00012%); highest among the groups gnomAD compares: Non-Finnish European, 0.00017%; no homozygotes.

Submission:

Labcorp Genetics (formerly Invitae), Labcorp
Classification: Uncertain significance. Last evaluated: 2022-02-10. Review status: criteria provided, single submitter. Criteria: Invitae Variant Classification Sherloc (09022015). Collection method: clinical testing. Allele origin: germline.
Comment: This sequence change replaces alanine, which is neutral and non-polar, with threonine, which is neutral and polar, at codon 628 of the PCDH15 protein (p.Ala628Thr). In summary, the available evidence is currently insufficient to determine the role of this variant in disease. Therefore, it has been classified as a Variant of Uncertain Significance. Algorithms developed to predict the effect of missense changes on protein structure and function are either unavailable or do not agree on the potential impact of this missense change (SIFT: "Tolerated"; PolyPhen-2: "Probably Damaging"; Align-GVGD: "Class C0"). ClinVar contains an entry for this variant (Variation ID: 1039292). This variant has not been reported in the literature in individuals affected with PCDH15-related conditions. This variant is not present in population databases (gnomAD no frequency).